The following is an entry in ClinVar:

ClinVar aggregate classification (germline): Pathogenic/Likely pathogenic. Review status: criteria provided, multiple submitters, no conflicts (2 of 4 stars). 3 submissions from 3 submitters: Pathogenic (2); Likely pathogenic (1). Last evaluated 2021-04-09.

Conditions:
Hereditary cancer-predisposing syndrome. Also called: Hereditary neoplastic syndrome; Neoplastic Syndromes, Hereditary; Tumor predisposition; Hereditary Cancer Syndrome. Identifiers: Orphanet 140162, MedGen C0027672, MeSH D009386, MONDO:0015356.
Breast-ovarian cancer, familial, susceptibility to, 1 (BROVCA1). Also called: OVARIAN CANCER, SUSCEPTIBILITY TO; BRCA1 Hereditary Breast and Ovarian Cancer. Identifiers: Orphanet 145, MedGen C2676676, MONDO:0011450, OMIM 604370. Disease mechanism: loss of function.
Hereditary breast ovarian cancer syndrome. Also called: Hereditary breast and ovarian cancer syndrome (HBOC); Breast and ovarian cancer; Hereditary breast and ovarian cancer syndrome; Hereditary breast and/or ovarian cancer syndrome; Hereditary breast and ovarian cancer; BRCA1- and BRCA2-Associated Hereditary Breast and Ovarian Cancer. Identifiers: Orphanet 145, MedGen C0677776, MeSH D061325, MONDO:0003582. Disease mechanism: loss of function.

Submissions (3):

Labcorp Genetics (formerly Invitae), Labcorp
Classification: Pathogenic for Hereditary breast ovarian cancer syndrome. Last evaluated: 2021-04-09. Review status: criteria provided, single submitter. Criteria: Invitae Variant Classification Sherloc (09022015). Collection method: clinical testing. Allele origin: germline.
Comment: For these reasons, this variant has been classified as Pathogenic. This variant has not been reported in the literature in individuals with BRCA1-related conditions. This variant is not present in population databases (ExAC no frequency). This sequence change creates a premature translational stop signal (p.Asn1121*) in the BRCA1 gene. It is expected to result in an absent or disrupted protein product. Loss-of-function variants in BRCA1 are known to be pathogenic (PMID: 20104584).

Clinical Cancer Genomics Laboratory, City of Hope Comprehensive Cancer Center
Classification: Likely pathogenic for Breast-ovarian cancer, familial, susceptibility to, 1. Last evaluated: 2021-01-01. Review status: criteria provided, single submitter. Criteria: ACMG Guidelines, 2015. Collection method: clinical testing. Allele origin: germline. Affected: yes. Observed: 1 variant allele.

Ambry Genetics
Classification: Pathogenic for Hereditary cancer-predisposing syndrome. Last evaluated: 2020-09-17. Review status: criteria provided, single submitter. Criteria: Ambry Variant Classification Scheme 2023. Collection method: clinical testing. Allele origin: germline.
Comment: The c.3359_3360insG pathogenic mutation, located in coding exon 9 of the BRCA1 gene, results from an insertion of one nucleotide at position 3359, causing a translational frameshift with a predicted alternate stop codon (p.N1121*). This alteration is expected to result in loss of function by premature protein truncation or nonsense-mediated mRNA decay. As such, this alteration is interpreted as a disease-causing mutation.

Literature cited by the submitters: PubMed 20104584 (cited by Labcorp Genetics (formerly Invitae), Labcorp).

NM_007294.4(BRCA1):c.3359_3360insG (p.Val1120_Asn1121insTer)

Genes: BRCA1 (BRCA1 DNA repair associated; minus strand), LOC126862571 (BRD4-independent group 4 enhancer GRCh37_chr17:41243136-41244335; plus strand). Cytogenetic location: 17q21.31.
Variant type: Insertion.
Coding change: c.3359_3360insG on transcript NM_007294.4 (MANE Select); coding-DNA positions 3359 to 3360, G inserted.
Protein change: p.Val1120_Asn1121insTer.
Molecular consequence: frameshift variant. On other transcripts: intron variant (137).
Genome position: GRCh38 VCF-style: chr17-43092171-A-AC. GRCh37 (hg19) VCF-style: chr17-41244188-A-AC.
Other names: c.3215_3216insG, p.Val1072_Asn1073insTer (NM_001407847.1, NM_001407848.1, NM_001407849.1 and 20 more transcripts); c.3218_3219insG, p.Val1073_Asn1074insTer (NM_001407850.1, NM_001407851.1, NM_001407852.1 and 29 more transcripts); c.3146_3147insG, p.Val1049_Asn1050insTer (NM_001407853.1, NM_001407894.1, NM_001407895.1 and 9 more transcripts); c.3359_3360insG, p.Val1120_Asn1121insTer (NM_001407854.1, NM_001407858.1, NM_001407859.1 and 30 more transcripts); c.3356_3357insG, p.Val1119_Asn1120insTer (NM_001407860.1, NM_001407861.1, NM_001407587.1 and 22 more transcripts); c.3158_3159insG, p.Val1053_Asn1054insTer (NM_001407862.1); c.3236_3237insG, p.Val1079_Asn1080insTer (NM_001407863.1, NM_001407919.1, NM_001407937.1 and 19 more transcripts); c.3155_3156insG, p.Val1052_Asn1053insTer (NM_001407874.1, NM_001407875.1); and 41 more.
Identifiers: ClinVar variation 1174600 (VCV001174600.11), dbSNP rs2154323689, ClinGen allele CA2499224469.